The following is an entry in ClinVar:

ClinVar aggregate classification (germline): Uncertain significance (1 of 4 stars; one submission).

Submission:

GeneDx
Classification: Uncertain significance. Last evaluated: 2026-03-11. Review status: criteria provided, single submitter. Criteria: GeneDx Variant Classification Process June 2021. Collection method: clinical testing. Allele origin: germline.
Comment: Not observed at significant frequency in large population cohorts (gnomAD); In silico analysis suggests that this missense variant does not alter protein structure/function; Has not been previously published as pathogenic or benign to our knowledge

NM_172362.3(KCNH1):c.673T>A (p.Leu225Met)

Gene: KCNH1 (potassium voltage-gated channel subfamily H member 1; minus strand). Cytogenetic location: 1q32.2.
Variant type: single nucleotide variant.
Coding change: c.673T>A on transcript NM_172362.3 (MANE Select); coding-DNA position 673, T replaced by A.
Protein change: p.Leu225Met; replaces leucine 225 with methionine.
Molecular consequence: missense variant.
Genome position (GRCh38, 1-based): chr1:211,019,142, A>T on the plus strand (T>A on the coding strand, the complement: KCNH1 is on the minus strand). VCF-style: chr1-211019142-A-T. GRCh37 (hg19) VCF-style: chr1-211192484-A-T.
Other names: c.673T>A, p.Leu225Met (NM_002238.4); short protein forms L225M.
Identifiers: ClinVar variation 5008553 (VCV005008553.1).
Genomic context (GRCh38, chr1:211,019,142, plus strand): 5'-GCCTGGTTTTGAAGGAGACATTATAAGGGACCAAGATGGCTGTATAGAAGGTCAAGATCA[A>T]GATGATCCAATCCCACGTGGTCTTAAAAACACAATAATGTAAGATGATGTGAGGGGGAGT-3'
Protein context (NP_758872.1, residues 215-235): VFKTTWDWII[Leu225Met]ILTFYTAILV